The following is an entry in ClinVar:

NM_152617.4(RNF168):c.470A>G (p.Glu157Gly)

Gene: RNF168 (ring finger protein 168; minus strand). Cytogenetic location: 3q29.
Variant type: single nucleotide variant.
Coding change: c.470A>G on transcript NM_152617.4 (MANE Select); coding-DNA position 470, A replaced by G.
Protein change: p.Glu157Gly; replaces glutamic acid 157 with glycine.
Molecular consequence: missense variant.
Genome position (GRCh38, 1-based): chr3:196,487,487, T>C on the plus strand (A>G on the coding strand, the complement: RNF168 is on the minus strand). VCF-style: chr3-196487487-T-C. GRCh37 (hg19) VCF-style: chr3-196214358-T-C.
Other names: short protein forms E157G.
Identifiers: ClinVar variation 1491317 (VCV001491317.6), dbSNP rs141253353, ClinGen allele CA2780928.
Genomic context (GRCh38, chr3:196,487,487, plus strand): 5'-TCCTCATCACTTTTCAGTTGTTCTTCCATCGCTCTTCGCCTTTTTTCTGCCTGTCTTTTT[T>C]CCTCTTCTTCCTCCTCTGCCAACAACCTCTGTATGTATTCTTCACTGGCTTTGTTTTCTT-3'
Protein context (NP_689830.2, residues 147-167): QRLLAEEEEE[Glu157Gly]KRQAEKRRRA

ClinVar aggregate classification (germline): Uncertain significance. Review status: criteria provided, multiple submitters, no conflicts (2 of 4 stars). 2 submissions from 2 submitters: Uncertain significance (2). Last evaluated 2025-01-17.

Conditions:
RIDDLE syndrome. Identifiers: Orphanet 420741, MedGen C2677792, MONDO:0012764, OMIM 611943.

Allele frequency attached by ClinVar (database versions not stated): ExAC 0.00003; gnomAD exomes 0.00004 and 0.00018; TOPMed 0.00005; gnomAD 0.00007; 1000 Genomes Project 0.00020; ESP Exome Variant Server 0.00023; 1000 Genomes Project 30x 0.00031.
gnomAD v4.1: 277 of 1,614,188 alleles (0.017%); highest among the groups gnomAD compares: Non-Finnish European, 0.022%; no homozygotes.

Submissions (2):

ARUP Laboratories, Molecular Genetics and Genomics, ARUP Laboratories
Classification: Uncertain significance for RIDDLE syndrome. Last evaluated: 2025-01-17. Review status: criteria provided, single submitter. Criteria: ARUP Molecular Germline Variant Investigation Process 2024. Collection method: clinical testing. Allele origin: germline.
Comment: The RNF168 c.470A>G; p.Glu157Gly variant (rs141253353), to our knowledge, is not reported in the medical literature but is reported in ClinVar (Variation ID: 1491317). This variant is found in the general population with an overall allele frequency of 0.005% (15/282844 alleles) in the Genome Ag-gregation Database (v2.1.1). Computational analyses predict that this variant is neutral (REVEL: 0.061). Due to limited information, the clinical significance of this variant is uncertain at this time.

Labcorp Genetics (formerly Invitae), Labcorp
Classification: Uncertain significance. Last evaluated: 2022-08-15. Review status: criteria provided, single submitter. Criteria: Invitae Variant Classification Sherloc (09022015). Collection method: clinical testing. Allele origin: germline.
Comment: This sequence change replaces glutamic acid, which is acidic and polar, with glycine, which is neutral and non-polar, at codon 157 of the RNF168 protein (p.Glu157Gly). This variant is present in population databases (rs141253353, gnomAD 0.008%). This variant has not been reported in the literature in individuals affected with RNF168-related conditions. ClinVar contains an entry for this variant (Variation ID: 1491317). Algorithms developed to predict the effect of missense changes on protein structure and function are either unavailable or do not agree on the potential impact of this missense change (SIFT: "Deleterious"; PolyPhen-2: "Benign"; Align-GVGD: "Class C0"). In summary, the available evidence is currently insufficient to determine the role of this variant in disease. Therefore, it has been classified as a Variant of Uncertain Significance.